The following is an entry in ClinVar:

NM_000352.6(ABCC8):c.3841_3842dup (p.Leu1282fs)

Gene: ABCC8 (ATP binding cassette subfamily C member 8; minus strand). Cytogenetic location: 11p15.1.
Variant type: Duplication.
Coding change: c.3841_3842dup on transcript NM_000352.6 (MANE Select); coding-DNA positions 3841 to 3842, 2 bases duplicated (GG; older notation c.3841_3842dupGG).
Protein change: p.Leu1282fs; shifts the reading frame from leucine 1282.
Molecular consequence: frameshift variant. On other transcripts: non-coding transcript variant (1).
Genome position (GRCh38, 1-based): chr11:17,397,709-17,397,710, CC duplicated on the plus strand (GG on the coding strand, the reverse complement: ABCC8 is on the minus strand); duplicating any 2 consecutive bases within chr11:17,397,709-17,397,711 gives the same sequence; the c. name uses the placement nearest the transcript's 3' end. VCF-style (leftmost placement, unchanged base first): chr11-17397708-G-GCC. GRCh37 (hg19) VCF-style: chr11-17419255-G-GCC.
Other names: c.3844_3845dup, p.Leu1283fs (NM_001287174.3); c.3907_3908dup, p.Leu1304fs (NM_001351295.2); c.3841_3842dup, p.Leu1282fs (NM_001351296.2); c.3838_3839dup, p.Leu1281fs (NM_001351297.2); short protein forms L1281fs, L1282fs, L1283fs, L1304fs.
Identifiers: ClinVar variation 4818253 (VCV004818253.1).

ClinVar aggregate classification (germline): Likely pathogenic (1 of 4 stars; one submission).

Conditions:
Hereditary hyperinsulinism.

Submission:

Natera, Inc.
Classification: Likely pathogenic for Hereditary hyperinsulinism. Last evaluated: 2025-10-13. Review status: criteria provided, single submitter. Criteria: Natera Variant Classification Schema (03/2026). Collection method: clinical testing. Allele origin: germline.
Comment: The c.3841_3842dup variant in ABCC8 is a frameshift variant predicted to shift the reading frame beginning at codon 1282 and leads to a stop codon 8 codons downstream. This variant is expected to result in nonsense mediated decay, truncation, or a dysfunctional protein product. This variant is rare in the general population with a frequency below the threshold expected for the associated phenotype(s). Given the available evidence, this variant is classified as Likely Pathogenic.